The following is an entry in ClinVar:

NM_020778.5(ALPK3):c.145T>C (p.Leu49=)

Gene: ALPK3 (alpha kinase 3; plus strand). Cytogenetic location: 15q25.3.
Variant type: single nucleotide variant.
Coding change: c.145T>C on transcript NM_020778.5 (MANE Select); coding-DNA position 145, T replaced by C.
Protein change: p.Leu49=; no amino-acid change (leucine 49 retained).
Molecular consequence: synonymous variant.
Genome position (GRCh38, 1-based): chr15:84,823,331, T>C. VCF-style: chr15-84823331-T-C. GRCh37 (hg19) VCF-style: chr15-85366562-T-C.
Identifiers: ClinVar variation 3227496 (VCV003227496.1), dbSNP rs1963448778, ClinGen allele CA492009268.

ClinVar aggregate classification (germline): Uncertain significance (1 of 4 stars; one submission).

Conditions:
Cardiovascular phenotype. Identifiers: MedGen CN230736.

Allele frequency attached by ClinVar (database versions not stated): gnomAD exomes below 0.00001.
gnomAD v4.1: 1 of 1,614,248 alleles (0.000062%); highest among the groups gnomAD compares: Non-Finnish European, 0.000085%; no homozygotes.

Submission:

Ambry Genetics
Classification: Uncertain significance for Cardiovascular phenotype. Last evaluated: 2024-02-22. Review status: criteria provided, single submitter. Criteria: Ambry Variant Classification Scheme 2023. Collection method: clinical testing. Allele origin: germline.
Comment: The c.751T>C variant (also known as p.L251L), located in coding exon 2 of the ALPK3 gene, results from a T to C substitution at nucleotide position 751. This nucleotide substitution does not change the leucine at codon 251. This nucleotide position is highly conserved in available vertebrate species. In silico splice site analysis for this alteration is inconclusive. Based on the available evidence, the clinical significance of this alteration remains unclear.